The following is an entry in ClinVar:

ClinVar aggregate classification (germline): Uncertain significance (1 of 4 stars; one submission).

Submission:

Labcorp Genetics (formerly Invitae), Labcorp
Classification: Uncertain significance. Last evaluated: 2025-01-27. Review status: criteria provided, single submitter. Criteria: Invitae Variant Classification Sherloc (09022015). Collection method: clinical testing. Allele origin: germline.
Comment: This sequence change replaces proline, which is neutral and non-polar, with threonine, which is neutral and polar, at codon 2282 of the GPR179 protein (p.Pro2282Thr). This variant is not present in population databases (gnomAD no frequency). This variant has not been reported in the literature in individuals affected with GPR179-related conditions. ClinVar contains an entry for this variant (Variation ID: 2002683). An algorithm developed to predict the effect of missense changes on protein structure and function (PolyPhen-2) suggests that this variant is likely to be disruptive. In summary, the available evidence is currently insufficient to determine the role of this variant in disease. Therefore, it has been classified as a Variant of Uncertain Significance.

NM_001004334.4(GPR179):c.6844C>A (p.Pro2282Thr)

Gene: GPR179 (G protein-coupled receptor 179; minus strand). Cytogenetic location: 17q12.
Variant type: single nucleotide variant.
Coding change: c.6844C>A on transcript NM_001004334.4 (MANE Select); coding-DNA position 6844, C replaced by A.
Protein change: p.Pro2282Thr; replaces proline 2282 with threonine.
Molecular consequence: missense variant.
Genome position (GRCh38, 1-based): chr17:38,326,725, G>T on the plus strand (C>A on the coding strand, the complement: GPR179 is on the minus strand). VCF-style: chr17-38326725-G-T. GRCh37 (hg19) VCF-style: chr17-36482608-G-T.
Other names: short protein forms P2282T.
Identifiers: ClinVar variation 2002683 (VCV002002683.4), dbSNP rs2512155141, ClinGen allele CA398868166.